The following is an entry in ClinVar:

ClinVar aggregate classification (germline): Likely pathogenic (1 of 4 stars; one submission).

Conditions:
Intellectual developmental disorder, autosomal recessive 13. Also called: Intellectual disability, autosomal recessive 13. Identifiers: Orphanet 88616, MedGen C2750791, MONDO:0013173, OMIM 613192.

Allele frequency attached by ClinVar (database versions not stated): gnomAD exomes below 0.00001.
gnomAD v4.1: 2 of 1,614,212 alleles (0.00012%); highest among the groups gnomAD compares: Non-Finnish European, 0.00017%; no homozygotes.

Submission:

Broad Center for Mendelian Genomics, Broad Institute of MIT and Harvard
Classification: Likely pathogenic for Intellectual developmental disorder, autosomal recessive 13. Last evaluated: 2023-05-02. Review status: criteria provided, single submitter. Criteria: ACMG Guidelines, 2015. Collection method: curation. Allele origin: germline. Inheritance: Autosomal recessive inheritance.
Comment: The c.1917-1G>A variant in TRAPPC9 has not been previously reported in individuals with autosomal recessive intellectual developmental disorder 13. This variant was absent from large population studies. RNAseq analysis performed on affected tissue (of the individual identified by our study) showed evidence of altered splicing with skipping of exon 11. This variant is located in the 3' splice region. Computational tools predict a splicing impact, though this information is not predictive enough to determine pathogenicity. Loss of function of the TRAPPC9 gene is strongly associated to autosomal recessive intellectual developmental disorder 13. In summary, although additional studies are required to fully establish its clinical significance, this variant is likely pathogenic for autosomal recessive intellectual developmental disorder 13. ACMG/AMP Criteria applied: PVS1_Strong, PS3_Moderate, PM2_Supporting (Richards 2015).

NM_001160372.4(TRAPPC9):c.1623-1G>A

Gene: TRAPPC9 (trafficking protein particle complex subunit 9; minus strand). Cytogenetic location: 8q24.3.
Variant type: single nucleotide variant.
Coding change: c.1623-1G>A on transcript NM_001160372.4 (MANE Select); the canonical splice acceptor site of the intron before coding-DNA position 1623, G replaced by A.
Molecular consequence: splice acceptor variant.
Genome position (GRCh38, 1-based): chr8:140,300,615, C>T on the plus strand (G>A on the coding strand, the complement: TRAPPC9 is on the minus strand). VCF-style: chr8-140300615-C-T. GRCh37 (hg19) VCF-style: chr8-141310714-C-T.
Other names: NR_164662.1:n.1712-1G>A; c.1623-1G>A (NM_031466.8, NM_001374683.1); c.1596-1G>A (NM_001321646.2); c.1479-1G>A (NM_001374684.1); c.1644-1G>A (NM_001374682.1).
Identifiers: ClinVar variation 2500859 (VCV002500859.1), dbSNP rs2539628652, ClinGen allele CA372316070.